The following is an entry in ClinVar:

ClinVar aggregate classification (germline): Uncertain significance (1 of 4 stars; one submission).

Allele frequency attached by ClinVar (database versions not stated): gnomAD 0.00001.

Submission:

Labcorp Genetics (formerly Invitae), Labcorp
Classification: Uncertain significance. Last evaluated: 2022-02-08. Review status: criteria provided, single submitter. Criteria: Invitae Variant Classification Sherloc (09022015). Collection method: clinical testing. Allele origin: germline.
Comment: This sequence change replaces methionine, which is neutral and non-polar, with isoleucine, which is neutral and non-polar, at codon 1607 of the PCNT protein (p.Met1607Ile). This variant is present in population databases (rs147398973, gnomAD 0.007%). This variant has not been reported in the literature in individuals affected with PCNT-related conditions. Algorithms developed to predict the effect of missense changes on protein structure and function (SIFT, PolyPhen-2, Align-GVGD) all suggest that this variant is likely to be tolerated. In summary, the available evidence is currently insufficient to determine the role of this variant in disease. Therefore, it has been classified as a Variant of Uncertain Significance.

NM_006031.6(PCNT):c.4821G>T (p.Met1607Ile)

Gene: PCNT (pericentrin; plus strand). Cytogenetic location: 21q22.3.
Variant type: single nucleotide variant.
Coding change: c.4821G>T on transcript NM_006031.6 (MANE Select); coding-DNA position 4821, G replaced by T.
Protein change: p.Met1607Ile; replaces methionine 1607 with isoleucine.
Molecular consequence: missense variant.
Genome position (GRCh38, 1-based): chr21:46,401,580, G>T. VCF-style: chr21-46401580-G-T. GRCh37 (hg19) VCF-style: chr21-47821494-G-T.
Other names: c.4467G>T, p.Met1489Ile (NM_001315529.2); short protein forms M1489I, M1607I.
Identifiers: ClinVar variation 1396838 (VCV001396838.5), dbSNP rs147398973, ClinGen allele CA10079795.